The following is an entry in ClinVar:

NM_001267550.2(TTN):c.46985G>A (p.Arg15662His)

Genes: TTN (titin; minus strand), TTN-AS1 (TTN antisense RNA 1; plus strand). Cytogenetic location: 2q31.2.
Variant type: single nucleotide variant.
Coding change: c.46985G>A on transcript NM_001267550.2 (MANE Select); coding-DNA position 46985, G replaced by A.
Protein change: p.Arg15662His; replaces arginine 15662 with histidine.
Molecular consequence: missense variant.
Genome position (GRCh38, 1-based): chr2:178,618,473, C>T on the plus strand (G>A on the coding strand, the complement: TTN is on the minus strand). VCF-style: chr2-178618473-C-T. GRCh37 (hg19) VCF-style: chr2-179483200-C-T.
Other names: c.42062G>A, p.Arg14021His (NM_001256850.1); c.19790G>A, p.Arg6597His (NM_003319.4); c.39281G>A, p.Arg13094His (NM_133378.4); c.20165G>A, p.Arg6722His (NM_133432.3); c.20366G>A, p.Arg6789His (NM_133437.4); short protein forms R14021H, R15662H, R6597H, R6789H, R13094H, R6722H.
Identifiers: ClinVar variation 1783757 (VCV001783757.5), dbSNP rs1457971549, ClinGen allele CA349620841.

ClinVar aggregate classification (germline): Uncertain significance. Review status: criteria provided, multiple submitters, no conflicts (2 of 4 stars). 3 submissions from 3 submitters: Uncertain significance (3). Last evaluated 2023-11-13.

Conditions:
Cardiovascular phenotype. Identifiers: MedGen CN230736.

Allele frequency attached by ClinVar (database versions not stated): TOPMed below 0.00001; gnomAD exomes 0.00001; gnomAD 0.00002.
gnomAD v4.1: 10 of 1,612,228 alleles (0.00062%); highest among the groups gnomAD compares: East Asian, 0.0045%; no homozygotes.

Submissions (3):

GeneDx
Classification: Uncertain significance. Last evaluated: 2023-11-13. Review status: criteria provided, single submitter. Criteria: GeneDx Variant Classification Process June 2021. Collection method: clinical testing. Allele origin: germline. Affected: yes.
Comment: Not observed at significant frequency in large population cohorts (gnomAD); Missense variant in a gene in which most reported pathogenic variants are truncating/loss of function; Has not been previously published as pathogenic or benign to our knowledge

Revvity Omics, Revvity
Classification: Uncertain significance. Last evaluated: 2023-06-27. Review status: criteria provided, single submitter. Criteria: ACMG Guidelines, 2015. Collection method: clinical testing. Allele origin: germline.

Ambry Genetics
Classification: Uncertain significance for Cardiovascular phenotype. Last evaluated: 2019-09-12. Review status: criteria provided, single submitter. Criteria: Ambry Variant Classification Scheme 2023. Collection method: clinical testing. Allele origin: germline.
Comment: The p.R6597H variant (also known as c.19790G>A), located in coding exon 79 of the TTN gene, results from a G to A substitution at nucleotide position 19790. The arginine at codon 6597 is replaced by histidine, an amino acid with highly similar properties. This amino acid position is not well conserved in available vertebrate species. In addition, this alteration is predicted to be tolerated by in silico analysis. Since supporting evidence is limited at this time, the clinical significance of this alteration remains unclear.